The following is an entry in ClinVar:

NM_004360.5(CDH1):c.788C>G (p.Thr263Ser)

Gene: CDH1 (cadherin 1; plus strand). Cytogenetic location: 16q22.1.
Variant type: single nucleotide variant.
Coding change: c.788C>G on transcript NM_004360.5 (MANE Select); coding-DNA position 788, C replaced by G.
Protein change: p.Thr263Ser; replaces threonine 263 with serine.
Molecular consequence: missense variant. On other transcripts: 5 prime UTR variant (2).
Genome position (GRCh38, 1-based): chr16:68,810,297, C>G. VCF-style: chr16-68810297-C-G. GRCh37 (hg19) VCF-style: chr16-68844200-C-G.
Other names: c.788C>G, p.Thr263Ser (NM_001317184.2); c.-828C>G (NM_001317185.2); c.-1032C>G (NM_001317186.2); short protein forms T263S.
Identifiers: ClinVar variation 491557 (VCV000491557.6), dbSNP rs1555515456, ClinGen allele CA396458763.

ClinVar aggregate classification (germline): Uncertain significance (1 of 4 stars; one submission).

Conditions:
Hereditary cancer-predisposing syndrome. Also called: Hereditary neoplastic syndrome; Tumor predisposition; Hereditary Cancer Syndrome; Neoplastic Syndromes, Hereditary. Identifiers: Orphanet 140162, MedGen C0027672, MeSH D009386, MONDO:0015356.

Submission:

Color Diagnostics, LLC DBA Color Health
Classification: Uncertain significance for Hereditary cancer-predisposing syndrome. Last evaluated: 2023-12-05. Review status: criteria provided, single submitter. Criteria: ACMG Guidelines, 2015. Collection method: clinical testing. Allele origin: germline.
Comment: This missense variant replaces threonine with serine at codon 263 of the CDH1 protein. To our knowledge, functional studies have not been reported for this variant. This variant has not been reported in individuals affected with CDH1-related disorders in the literature. This variant has not been identified in the general population by the Genome Aggregation Database (gnomAD). The available evidence is insufficient to determine the role of this variant in disease conclusively. Therefore, this variant is classified as a Variant of Uncertain Significance.